The following is an entry in ClinVar:

NM_177438.3(DICER1):c.5385T>A (p.Asp1795Glu)

Gene: DICER1 (dicer 1, ribonuclease III; minus strand). Cytogenetic location: 14q32.13.
Variant type: single nucleotide variant.
Coding change: c.5385T>A on transcript NM_177438.3 (MANE Select); coding-DNA position 5385, T replaced by A.
Protein change: p.Asp1795Glu; replaces aspartic acid 1795 with glutamic acid.
Molecular consequence: missense variant. On other transcripts: non-coding transcript variant (6), intron variant (1).
Genome position (GRCh38, 1-based): chr14:95,091,345, A>T on the plus strand (T>A on the coding strand, the complement: DICER1 is on the minus strand). VCF-style: chr14-95091345-A-T. GRCh37 (hg19) VCF-style: chr14-95557682-A-T.
Other names: c.5385T>A, p.Asp1795Glu (NM_001271282.3, NM_001291628.2, NM_001395677.1 and 8 more transcripts); c.5103T>A, p.Asp1701Glu (NM_001395686.1); c.4980T>A, p.Asp1660Glu (NM_001395687.1, NM_001395688.1, NM_001395689.1 and 1 more transcripts); c.4818T>A, p.Asp1606Glu (NM_001395691.1); c.3702T>A, p.Asp1234Glu (NM_001395697.1); c.5365-236T>A (NM_001195573.1); short protein forms D1606E, D1660E, D1234E, D1795E, D1701E.
Identifiers: ClinVar variation 2143614 (VCV002143614.6), dbSNP rs1465785637, ClinGen allele CA390864781.

ClinVar aggregate classification (germline): Uncertain significance. Review status: criteria provided, multiple submitters, no conflicts (2 of 4 stars). 3 submissions from 3 submitters: Uncertain significance (3). Last evaluated 2025-04-13.

Conditions:
DICER1-related tumor predisposition. Also called: DICER1-related pleuropulmonary blastoma cancer predisposition syndrome; DICER1 syndrome. Identifiers: Orphanet 284343, MedGen C3839822, MONDO:0100216.
Hereditary cancer-predisposing syndrome. Also called: Neoplastic Syndromes, Hereditary; Hereditary neoplastic syndrome; Hereditary Cancer Syndrome; Tumor predisposition. Identifiers: Orphanet 140162, MedGen C0027672, MeSH D009386, MONDO:0015356.

Allele frequency attached by ClinVar (database versions not stated): gnomAD exomes below 0.00001.
gnomAD v4.1: 1 of 1,614,046 alleles (0.000062%); highest among the groups gnomAD compares: Non-Finnish European, 0.000085%; no homozygotes.

Submissions (3):

Ambry Genetics
Classification: Uncertain significance for Hereditary cancer-predisposing syndrome. Last evaluated: 2025-04-13. Review status: criteria provided, single submitter. Criteria: Ambry Variant Classification Scheme 2023. Collection method: clinical testing. Allele origin: germline.
Comment: The p.D1795E variant (also known as c.5385T>A), located in coding exon 24 of the DICER1 gene, results from a T to A substitution at nucleotide position 5385. The aspartic acid at codon 1795 is replaced by glutamic acid, an amino acid with highly similar properties. This amino acid position is conserved. In addition, this alteration is predicted to be tolerated by in silico analysis. Based on the available evidence, the clinical significance of this variant remains unclear.

GeneDx
Classification: Uncertain significance. Last evaluated: 2023-11-21. Review status: criteria provided, single submitter. Criteria: GeneDx Variant Classification Process June 2021. Collection method: clinical testing. Allele origin: germline. Affected: yes.
Comment: Not observed at significant frequency in large population cohorts (gnomAD); In silico analysis supports that this missense variant does not alter protein structure/function; Has not been previously published as pathogenic or benign to our knowledge

Labcorp Genetics (formerly Invitae), Labcorp
Classification: Uncertain significance for DICER1-related tumor predisposition. Last evaluated: 2022-11-03. Review status: criteria provided, single submitter. Criteria: Invitae Variant Classification Sherloc (09022015). Collection method: clinical testing. Allele origin: germline.
Comment: This sequence change replaces aspartic acid, which is acidic and polar, with glutamic acid, which is acidic and polar, at codon 1795 of the DICER1 protein (p.Asp1795Glu). This variant is present in population databases (no rsID available, gnomAD 0.0009%). This variant has not been reported in the literature in individuals affected with DICER1-related conditions. Algorithms developed to predict the effect of missense changes on protein structure and function are either unavailable or do not agree on the potential impact of this missense change (SIFT: "Tolerated"; PolyPhen-2: "Possibly Damaging"; Align-GVGD: "Class C0"). In summary, the available evidence is currently insufficient to determine the role of this variant in disease. Therefore, it has been classified as a Variant of Uncertain Significance.